The following is an entry in ClinVar:

ClinVar aggregate classification (germline): Likely benign (1 of 4 stars; one submission).

gnomAD v4.1: 29 of 1,613,574 alleles (0.0018%); highest among the groups gnomAD compares: Admixed American, 0.0033%; no homozygotes.

Submission:

CeGaT Center for Human Genetics Tuebingen
Classification: Likely benign. Last evaluated: 2025-06-01. Review status: criteria provided, single submitter. Criteria: CeGaT Center For Human Genetics Tuebingen Variant Classification Criteria Version 2. Collection method: clinical testing. Allele origin: germline. Affected: yes. Observed: 1 variant allele.
Comment: JAK2: BP4

NM_004972.4(JAK2):c.20C>T (p.Thr7Met)

Genes: INSL6 (insulin like 6; minus strand), JAK2 (Janus kinase 2; plus strand). Cytogenetic location: 9p24.1.
Variant type: single nucleotide variant.
Coding change: c.20C>T on transcript NM_004972.4 (MANE Select); coding-DNA position 20, C replaced by T.
Protein change: p.Thr7Met; replaces threonine 7 with methionine.
Molecular consequence: missense variant. On other transcripts: 5 prime UTR variant (2), non-coding transcript variant (2).
Genome position (GRCh38, 1-based): chr9:5,022,007, C>T. VCF-style: chr9-5022007-C-T. GRCh37 (hg19) VCF-style: chr9-5022007-C-T.
Other names: c.20C>T, p.Thr7Met (NM_001322194.2, NM_001322195.2, NM_001322196.2); c.-1101C>T (NM_001322198.2, NM_001322199.2); short protein forms T7M.
Identifiers: ClinVar variation 3905026 (VCV003905026.10).
Genomic context (GRCh38, chr9:5,022,007, plus strand): 5'-TTGTTTTCTCTTACAGGCAAATGTTCTGAAAAAGACTCTGCATGGGAATGGCCTGCCTTA[C>T]GATGACAGAAATGGAGGGAACATCCACCTCTTCTATATATCAGAATGGTGATATTTCTGG-3'
Protein context (NP_004963.1, residues 1-17): MGMACL[Thr7Met]MTEMEGTSTS